The following is an entry in ClinVar:

ClinVar aggregate classification (germline): Pathogenic (1 of 4 stars; one submission).

Conditions:
Hereditary angioedema type 1 (HAE1). Identifiers: Orphanet 100050, Orphanet 100051, Orphanet 91378, MedGen C2717906, MONDO:0015053, OMIM 106100.

Submission:

DNA-diagnostics Laboratory, Research Centre For Medical Genetics
Classification: Pathogenic for Hereditary angioedema type 1. Last evaluated: 2024-08-12. Review status: criteria provided, single submitter. Criteria: ACMG Guidelines, 2015. Collection method: research. Allele origin: germline. Inheritance: Autosomal dominant inheritance. Affected: yes. Observed: 1 heterozygote.
Comment: The pathogenic or likely pathogenic SERPING1 gene variants are detected in >90% of the HAE1/2 families and in >80% of the total HAE families (e.g., DOI: 10.1016/j.molimm.2008.05.007, 10.1159/2F000138883, 10.1016/j.molimm.2011.07.010). In summary, the c.787_794dup variant in SERPING1 meets ACMG/ClinGen SVI guidance criteria to be classified as pathogenic: PVS1, PP4_Mod, PM2_Sup

NM_000062.3(SERPING1):c.787_794dup (p.Trp265Ter)

Gene: SERPING1 (serpin family G member 1; plus strand). Cytogenetic location: 11q12.1.
Variant type: Duplication.
Coding change: c.787_794dup on transcript NM_000062.3 (MANE Select); coding-DNA positions 787 to 794, 8 bases duplicated (AACACCTG; older notation c.787_794dupAACACCTG).
Protein change: p.Trp265Ter; replaces tryptophan 265 with a stop codon.
Molecular consequence: nonsense.
Genome position (GRCh38, 1-based): chr11:57,606,111-57,606,118, AACACCTG duplicated. VCF-style (leftmost placement, unchanged base first): chr11-57606110-C-CAACACCTG. GRCh37 (hg19) VCF-style: chr11-57373583-C-CAACACCTG.
Other names: c.787_794dup, p.Trp265Ter (NM_001032295.2); short protein forms W265*.
Identifiers: ClinVar variation 3336723 (VCV003336723.2).